The following is an entry in ClinVar:

NM_006516.4(SLC2A1):c.517-1G>A

Gene: SLC2A1 (solute carrier family 2 member 1; minus strand). Cytogenetic location: 1p34.2.
Variant type: single nucleotide variant.
Coding change: c.517-1G>A on transcript NM_006516.4 (MANE Select); the canonical splice acceptor site of the intron before coding-DNA position 517, G replaced by A.
Molecular consequence: splice acceptor variant.
Genome position (GRCh38, 1-based): chr1:42,930,036, C>T on the plus strand (G>A on the coding strand, the complement: SLC2A1 is on the minus strand). VCF-style: chr1-42930036-C-T. GRCh37 (hg19) VCF-style: chr1-43395707-C-T.
Identifiers: ClinVar variation 538674 (VCV000538674.10), dbSNP rs869312673, ClinGen allele CA339958976.

ClinVar aggregate classification (germline): Pathogenic/Likely pathogenic. Review status: criteria provided, multiple submitters, no conflicts (2 of 4 stars). 2 submissions from 2 submitters: Pathogenic (1); Likely pathogenic (1). Last evaluated 2021-09-15.

Conditions:
SLC2A1-related disorder. Also called: SLC2A1-related condition; SLC2A1-related disorders.
GLUT1 deficiency syndrome 1, autosomal recessive. Identifiers: MedGen C3149117.

Submissions (2):

Blueprint Genetics
Classification: Likely pathogenic for SLC2A1-related disorders. Last evaluated: 2021-09-15. Review status: criteria provided, single submitter. Criteria: ACMG Guidelines, 2015. Collection method: clinical testing. Allele origin: germline. Affected: yes. Observed: 1 variant allele.

Labcorp Genetics (formerly Invitae), Labcorp
Classification: Pathogenic for GLUT1 deficiency syndrome 1, autosomal recessive. Last evaluated: 2017-12-18. Review status: criteria provided, single submitter. Criteria: Invitae Variant Classification Sherloc (09022015). Collection method: clinical testing. Allele origin: germline.
Comment: A different variant affecting this nucleotide (c.517-G>C) has been reported de novo in an individual affected with intellectual disability and facial dysmorphism (PMID: 28554332). In addition a different variant affecting this canonical splice acceptor site (c.517-2A>G) has been reported in an individual affected with GLUT1-deficiency syndrome (PMID: 24080273). This suggests that this consensus splice is important for normal RNA splicing, and that other variants at this position may also be pathogenic. For these reasons, this variant has been classified as Pathogenic. Donor and acceptor splice site variants typically lead to a loss of protein function (PMID: 16199547), and loss-of-function variants in SLC2A1 are known to be pathogenic (PMID: 21832227, 26193382). Algorithms developed to predict the effect of sequence changes on RNA splicing suggest that this variant may disrupt the consensus splice site, but this prediction has not been confirmed by published transcriptional studies. This variant has not been reported in the literature in individuals with SLC2A1-related disease. This variant is not present in population databases (ExAC no frequency). This sequence change affects an acceptor splice site in intron 4 of the SLC2A1 gene. It is expected to disrupt RNA splicing and likely results in an absent or disrupted protein product.

Literature cited by the submitters: PubMed 28554332 (cited by Labcorp Genetics (formerly Invitae), Labcorp); PubMed 24080273 (cited by Labcorp Genetics (formerly Invitae), Labcorp); PubMed 16199547 (cited by Labcorp Genetics (formerly Invitae), Labcorp); PubMed 21832227 (cited by Labcorp Genetics (formerly Invitae), Labcorp); PubMed 26193382 (cited by Labcorp Genetics (formerly Invitae), Labcorp).